The following is an entry in ClinVar:

ClinVar aggregate classification (germline): Pathogenic (1 of 4 stars; one submission).

Conditions:
Symmetrical dyschromatosis of extremities (DSH). Also called: RETICULATE ACROPIGMENTATION OF DOHI; DYSCHROMATOSIS SYMMETRICA HEREDITARIA 1; SYMMETRIC DYSCHROMATOSIS OF THE EXTREMITIES; Dyschromatosis symmetrica hereditaria. Identifiers: Orphanet 41, MedGen C0406775, MONDO:0007483, OMIM 127400.
Aicardi-Goutieres syndrome 6 (AGS6). Identifiers: Orphanet 51, MedGen C3539013, MONDO:0014007, OMIM 615010.

Submission:

Labcorp Genetics (formerly Invitae), Labcorp
Classification: Pathogenic for Aicardi-Goutieres syndrome 6; Symmetrical dyschromatosis of extremities. Last evaluated: 2023-10-28. Review status: criteria provided, single submitter. Criteria: Invitae Variant Classification Sherloc (09022015). Collection method: clinical testing. Allele origin: germline.
Comment: This sequence change creates a premature translational stop signal (p.Met337Ilefs*8) in the ADAR gene. It is expected to result in an absent or disrupted protein product. Loss-of-function variants in ADAR are known to be pathogenic (PMID: 22974014). This variant is not present in population databases (gnomAD no frequency). This variant has not been reported in the literature in individuals affected with ADAR-related conditions. For these reasons, this variant has been classified as Pathogenic.

Literature cited by the submitters: PubMed 22974014.

NM_001111.5(ADAR):c.1011_1012del (p.Met337fs)

Gene: ADAR (adenosine deaminase RNA specific; minus strand). Cytogenetic location: 1q21.3.
Variant type: Deletion.
Coding change: c.1011_1012del on transcript NM_001111.5 (MANE Select); coding-DNA positions 1011 to 1012, 2 bases deleted (GG; older notation c.1011_1012delGG).
Protein change: p.Met337fs; shifts the reading frame from methionine 337.
Molecular consequence: frameshift variant.
Genome position (GRCh38, 1-based): chr1:154,601,630-154,601,631, CC deleted on the plus strand (GG on the coding strand, the reverse complement: ADAR is on the minus strand). VCF-style (leftmost placement, unchanged base first): chr1-154601629-TCC-T. GRCh37 (hg19) VCF-style: chr1-154574105-TCC-T.
Other names: c.1011_1012del, p.Met337fs (NM_015840.4, NM_015841.4); c.126_127del, p.Met42fs (NM_001025107.3, NM_001193495.2, NM_001365046.1 and 3 more transcripts); c.1038_1039del, p.Met346fs (NM_001365045.1); short protein forms M337fs, M346fs, M42fs.
Identifiers: ClinVar variation 2953345 (VCV002953345.3), dbSNP rs2526655171, ClinGen allele CA2740090368.
Genomic context (GRCh38, chr1:154,601,629, plus strand): 5'-TTGTCTGTCAAATGCCATATGGGAGGGGTTGTCCCTTGTCTATAGACATCCCCCTGCCTT[TCC>T]ATGTCAATTAGCACAGCATTTATATCTCGGGCCTTGGTAAGGCCAATATTTTTAGCCAAA-3'